The following is an entry in ClinVar:

NM_000540.3(RYR1):c.8667dup (p.Lys2890fs)

Gene: RYR1 (ryanodine receptor 1; plus strand). Cytogenetic location: 19q13.2.
Variant type: Duplication.
Coding change: c.8667dup on transcript NM_000540.3 (MANE Select); coding-DNA position 8667, one base duplicated (G; older notation c.8667dupG).
Protein change: p.Lys2890fs; shifts the reading frame from lysine 2890.
Molecular consequence: frameshift variant.
Genome position (GRCh38, 1-based): chr19:38,506,521, G duplicated. VCF-style (leftmost placement, unchanged base first): chr19-38506520-A-AG. GRCh37 (hg19) VCF-style: chr19-38997160-A-AG.
Other names: c.8667dupG (NM_000540.2); c.8667dup, p.Lys2890fs (NM_001042723.2); short protein forms K2890fs.
Identifiers: ClinVar variation 478293 (VCV000478293.7), dbSNP rs1555785771, ClinGen allele CA658658811.

ClinVar aggregate classification (germline): Pathogenic (1 of 4 stars; one submission).

Conditions:
RYR1-related disorder. Also called: RYR1-related condition; RYR1-related disorders. Identifiers: MedGen CN239331.

Submission:

Labcorp Genetics (formerly Invitae), Labcorp
Classification: Pathogenic for RYR1-related disorder. Last evaluated: 2018-11-05. Review status: criteria provided, single submitter. Criteria: Invitae Variant Classification Sherloc (09022015). Collection method: clinical testing. Allele origin: germline.
Comment: For these reasons, this variant has been classified as Pathogenic. Loss-of-function variants in RYR1 are known to be pathogenic (PMID: 20583297, 23919265). This variant has not been reported in the literature in individuals with RYR1-related disease. ClinVar contains an entry for this variant (Variation ID: 478293). This variant is not present in population databases (ExAC no frequency). This sequence change creates a premature translational stop signal (p.Lys2890Glufs*53) in the RYR1 gene. It is expected to result in an absent or disrupted protein product.

Literature cited by the submitters: PubMed 20583297; PubMed 23919265.